The following is an entry in ClinVar:

NM_000404.4(GLB1):c.130G>T (p.Asp44Tyr)

Gene: GLB1 (galactosidase beta 1; minus strand). Cytogenetic location: 3p22.3.
Variant type: single nucleotide variant.
Coding change: c.130G>T on transcript NM_000404.4 (MANE Select); coding-DNA position 130, G replaced by T.
Protein change: p.Asp44Tyr; replaces aspartic acid 44 with tyrosine.
Molecular consequence: missense variant.
Genome position (GRCh38, 1-based): chr3:33,072,659, C>A on the plus strand (G>T on the coding strand, the complement: GLB1 is on the minus strand). VCF-style: chr3-33072659-C-A. GRCh37 (hg19) VCF-style: chr3-33114151-C-A.
Other names: c.40G>T, p.Asp14Tyr (NM_001079811.3); c.130G>T, p.Asp44Tyr (NM_001135602.3, NM_001393580.1); c.274G>T, p.Asp92Tyr (NM_001317040.2); short protein forms D14Y, D44Y, D92Y.
Identifiers: ClinVar variation 2500787 (VCV002500787.2), dbSNP rs2471449533, ClinGen allele CA351996852.

ClinVar aggregate classification (germline): Likely pathogenic (1 of 4 stars; one submission).

Conditions:
Infantile GM1 gangliosidosis. Also called: Gangliosidosis, Generalized GM1, Type 1; GM1-gangliosidosis, type I; Gangliosidosis, generalized GM1, infantile form; GLB1 deficiency; GM1 gangliosidosis type 1. Identifiers: Orphanet 354, Orphanet 79255, MedGen C0268271, MONDO:0009260, OMIM 230500.

Submission:

Victorian Clinical Genetics Services, Murdoch Childrens Research Institute
Classification: Likely pathogenic for Infantile GM1 gangliosidosis. Last evaluated: 2021-05-06. Review status: criteria provided, single submitter. Criteria: ACMG Guidelines, 2015. Collection method: clinical testing. Allele origin: germline. Inheritance: Autosomal recessive inheritance. Affected: yes.
Comment: Based on the classification scheme VCGS_Germline_v1.3.4, this variant is classified as Likely Pathogenic. Following criteria are met: 0102 - Loss of function is a known mechanism of disease in this gene and is associated with GM1-gangliosidosis, type I (MIM#230500). (I) 0106 - This gene is associated with autosomal recessive disease. (I) 0200 - Variant is predicted to result in a missense amino acid change from aspartic acid to tyrosine. (I) 0252 - This variant is homozygous. (I) 0301 - Variant is absent from gnomAD (both v2 and v3). (SP) 0501 - Missense variant consistently predicted to be damaging by multiple in silico tools and highly conserved with a major amino acid change. (SP) 0600 - Variant is located in the annotated glycosyl hydrolase 35 family domain (Pfam). (I) 0705 - No comparable missense variants have previous evidence for pathogenicity. (I) 0807 - This variant has no previous evidence of pathogenicity. (I) 0905 - No published segregation evidence has been identified for this variant. (I) 1005 - Clinically accredited laboratory assay specific to gene product shows abnormal protein function. Biochemical testing by a NATA-accredited laboratory demonstrated a reduced level of leukocyte beta-galactosidase activity and a urine oligosaccharide pattern consistent with a diagnosis of GM1-gangliosidosis (Sydney Children's Hospital). (SP) 1102 - Strong phenotype match for this individual. (I) Legend: (SP) - Supporting pathogenic, (I) - Information, (SB) - Supporting benign